The following is an entry in ClinVar:

NM_000140.5(FECH):c.757_761del (p.Ser254fs)

Gene: FECH (ferrochelatase; minus strand). Cytogenetic location: 18q21.31.
Variant type: Microsatellite.
Coding change: c.757_761del on transcript NM_000140.5 (MANE Select); coding-DNA positions 757 to 761, 5 bases deleted (AGAAG; older notation c.757_761delAGAAG).
Protein change: p.Ser254fs; shifts the reading frame from serine 254.
Molecular consequence: frameshift variant. On other transcripts: intron variant (1).
Genome position (GRCh38, 1-based): chr18:57,559,188-57,559,192, CTTCT deleted on the plus strand (AGAAG on the coding strand, the reverse complement: FECH is on the minus strand); deleting any 5 consecutive bases within chr18:57,559,188-57,559,198 gives the same sequence; the c. name uses the placement nearest the transcript's 3' end. VCF-style (leftmost placement, unchanged base first): chr18-57559187-GCTTCT-G. GRCh37 (hg19) VCF-style: chr18-55226419-GCTTCT-G.
Other names: NP_000131.2:p.(Ser254Glyfs*69); c.775_779del, p.Ser260fs (NM_001012515.4); c.541_545del, p.Ser182fs (NM_001371095.1); c.757_761del, p.Ser254fs (NM_001374778.1); c.705+3682_705+3686del (NM_001371094.1); short protein forms S182fs, S254fs, S260fs.
Identifiers: ClinVar variation 3393342 (VCV003393342.2).
Genomic context (GRCh38, chr18:57,559,187, plus strand): 5'-GAAAATGTTCTTACTTACAGACATGGGCAGTGAGTGAGCAGAAAACAGAATGACCACCTC[GCTTCT>G]CTTCTCAAGTGGAAAATGGTCCAGTTCCTTTAGAATATGATCTGCAAAGCACTGAGTGAG-3'

ClinVar aggregate classification (germline): Pathogenic (1 of 4 stars; one submission).

Conditions:
Protoporphyria, erythropoietic, 1 (EPP1). Also called: FERROCHELATASE DEFICIENCY; HEME SYNTHETASE DEFICIENCY; Erythropoietic Protoporphyria, Autosomal Recessive. Identifiers: Orphanet 79278, MedGen C4692546, MONDO:0008319, OMIM 177000.

Submission:

Paediatric Laboratory, Institute for Maternal and Child Health - IRCCS Burlo Garofolo
Classification: Pathogenic for Protoporphyria, erythropoietic, 1. Last evaluated: 2024-12-02. Review status: criteria provided, single submitter. Criteria: ACMG Guidelines, 2015. Collection method: clinical testing. Allele origin: germline. Affected: yes.
Comment: The NM_000140.5:c.757_761del variant is predicted to cause a frameshift, leading to the creation of a premature stop codon. Loss-of-function is a well-established disease mechanism for the FECH gene [PVS1]. This variant was identified in only 4 individuals in gnomAD v4.1.0, exclusively in the heterozygous state [PM2]. The patient’s clinical presentation was strongly indicative of erythropoietic protoporphyria [PP4]. Moreover, this variant has been previously reported in 5 individuals diagnosed with erythropoietic protoporphyria (PMID:33021473) [PP5].

Literature cited by the submitters: PubMed 33021473.